The following is an entry in ClinVar:

NM_000925.4(PDHB):c.*296C>G

Gene: PDHB (pyruvate dehydrogenase E1 subunit beta; minus strand). Cytogenetic location: 3p14.3.
Variant type: single nucleotide variant.
Coding change: c.*296C>G on transcript NM_000925.4 (MANE Select); 296 bases downstream of the stop codon, C replaced by G.
Molecular consequence: 3 prime UTR variant. On other transcripts: non-coding transcript variant (1).
Genome position (GRCh38, 1-based): chr3:58,427,738, G>C on the plus strand (C>G on the coding strand, the complement: PDHB is on the minus strand). VCF-style: chr3-58427738-G-C. GRCh37 (hg19) VCF-style: chr3-58413465-G-C.
Other names: c.*296C>G (NM_001173468.2, NM_001315536.2).
Identifiers: ClinVar variation 346399 (VCV000346399.9), dbSNP rs7231, ClinGen allele CA2471335.

ClinVar aggregate classification (germline): Benign. Review status: criteria provided, multiple submitters, no conflicts (2 of 4 stars). 3 submissions from 3 submitters: Benign (3). Last evaluated 2018-06-14.

Conditions:
Pyruvate dehydrogenase E1-beta deficiency (PDHBD). Identifiers: Orphanet 255138, Orphanet 765, MedGen C3279841, MONDO:0013580, OMIM 614111.

Allele frequency attached by ClinVar (database versions not stated): TOPMed 0.72676; gnomAD 0.72833 and 0.73268; 1000 Genomes Project 30x 0.74001; 1000 Genomes Project 0.74181; gnomAD exomes 0.77072 and 0.77662; ExAC 0.79502.
gnomAD v4.1: 381,495 of 499,658 alleles (76%); highest among the groups gnomAD compares: East Asian, 81%; 146,715 homozygotes.

Submissions (3):

GeneDx
Classification: Benign. Last evaluated: 2018-06-14. Review status: criteria provided, single submitter. Criteria: GeneDx Variant Classification Process June 2021. Collection method: clinical testing. Allele origin: germline. Affected: yes.

Illumina Laboratory Services, Illumina
Classification: Benign for Pyruvate dehydrogenase E1-beta deficiency. Last evaluated: 2018-01-13. Review status: criteria provided, single submitter. Criteria: ICSL Variant Classification Criteria 13 December 2019. Collection method: clinical testing. Allele origin: germline.
Comment: This variant was observed in the ICSL laboratory as part of a predisposition screen in an ostensibly healthy population. It had not been previously curated by ICSL or reported in the Human Gene Mutation Database (HGMD: prior to June 1st, 2018), and was therefore a candidate for classification through an automated scoring system. Utilizing variant allele frequency, disease prevalence and penetrance estimates, and inheritance mode, an automated score was calculated to assess if this variant is too frequent to cause the disease. Based on the score and internal cut-off values, a variant classified as benign is not then subjected to further curation. The score for this variant resulted in a classification of benign for this disease.

Breakthrough Genomics
Classification: Benign. Review status: criteria provided, single submitter. Criteria: ACMG Guidelines, 2015. Collection method: not provided. Allele origin: germline. Inheritance: Autosomal recessive inheritance. Affected: yes.